The following is an entry in ClinVar:

NM_004006.3(DMD):c.3053A>C (p.Tyr1018Ser)

Gene: DMD (dystrophin; minus strand). Cytogenetic location: Xp21.1.
Variant type: single nucleotide variant.
Coding change: c.3053A>C on transcript NM_004006.3 (MANE Select); coding-DNA position 3053, A replaced by C.
Protein change: p.Tyr1018Ser; replaces tyrosine 1018 with serine.
Molecular consequence: missense variant.
Genome position (GRCh38, 1-based): chrX:32,468,607, T>G on the plus strand (A>C on the coding strand, the complement: DMD is on the minus strand). VCF-style: chrX-32468607-T-G. GRCh37 (hg19) VCF-style: chrX-32486724-T-G.
Other names: c.3029A>C, p.Tyr1010Ser (NM_000109.4); c.3041A>C, p.Tyr1014Ser (NM_004009.3); c.2684A>C, p.Tyr895Ser (NM_004010.3); short protein forms Y1010S, Y1014S, Y1018S, Y895S.
Identifiers: ClinVar variation 4869860 (VCV004869860.1).
Genomic context (GRCh38, chrX:32,468,607, plus strand): 5'-TCAACCAGCTGGGAGGAGAGCTTCTTCCAGCGTCCCTCAATTTCTTCAAATTCTGATTGA[T>G]ATTTCCGGCTAATTTCAGAGGGCGCTTTCTTCGACATCTCTTTCACAGTGGTGCTGAGAT-3'
Protein context (NP_003997.2, residues 1008-1028): KKAPSEISRK[Tyr1018Ser]QSEFEEIEGR

ClinVar aggregate classification (germline): Uncertain significance (1 of 4 stars; one submission).

Conditions:
Cardiovascular phenotype. Identifiers: MedGen CN230736.

Submission:

Ambry Genetics
Classification: Uncertain significance for Cardiovascular phenotype. Last evaluated: 2026-03-29. Review status: criteria provided, single submitter. Criteria: Ambry Variant Classification Scheme 2023. Collection method: clinical testing. Allele origin: germline.
Comment: The p.Y1018S variant (also known as c.3053A>C), located in coding exon 23 of the DMD gene, results from an A to C substitution at nucleotide position 3053. The tyrosine at codon 1018 is replaced by serine, an amino acid with dissimilar properties. This amino acid position is conserved. In addition, the in silico prediction for this alteration is inconclusive. Based on the available evidence, the clinical significance of this variant remains unclear.